The following is an entry in ClinVar:

NM_000081.4(LYST):c.5117A>G (p.Asn1706Ser)

Gene: LYST (lysosomal trafficking regulator; minus strand). Cytogenetic location: 1q42.3.
Variant type: single nucleotide variant.
Coding change: c.5117A>G on transcript NM_000081.4 (MANE Select); coding-DNA position 5117, A replaced by G.
Protein change: p.Asn1706Ser; replaces asparagine 1706 with serine.
Molecular consequence: missense variant.
Genome position (GRCh38, 1-based): chr1:235,780,962, T>C on the plus strand (A>G on the coding strand, the complement: LYST is on the minus strand). VCF-style: chr1-235780962-T-C. GRCh37 (hg19) VCF-style: chr1-235944262-T-C.
Other names: c.5117A>G, p.Asn1706Ser (NM_001301365.1); short protein forms N1706S.
Identifiers: ClinVar variation 2172013 (VCV002172013.1), dbSNP rs764368579, ClinGen allele CA1466690.

ClinVar aggregate classification (germline): Uncertain significance (1 of 4 stars; one submission).

Conditions:
Chédiak-Higashi syndrome (CHS). Also called: Chediak-Higashi Syndrome. Identifiers: Orphanet 167, MedGen C0007965, MONDO:0008963, OMIM 214500.

Allele frequency attached by ClinVar (database versions not stated): TOPMed below 0.00001; ExAC 0.00001; gnomAD 0.00001.
gnomAD v4.1: 5 of 1,605,892 alleles (0.00031%); highest among the groups gnomAD compares: Non-Finnish European, 0.00043%; no homozygotes.

Submission:

Labcorp Genetics (formerly Invitae), Labcorp
Classification: Uncertain significance for Chédiak-Higashi syndrome. Last evaluated: 2022-08-22. Review status: criteria provided, single submitter. Criteria: Invitae Variant Classification Sherloc (09022015). Collection method: clinical testing. Allele origin: germline.
Comment: This sequence change replaces asparagine, which is neutral and polar, with serine, which is neutral and polar, at codon 1706 of the LYST protein (p.Asn1706Ser). The frequency data for this variant in the population databases is considered unreliable, as metrics indicate poor data quality at this position in the gnomAD database. This variant has not been reported in the literature in individuals affected with LYST-related conditions. Algorithms developed to predict the effect of missense changes on protein structure and function output the following: SIFT: "Tolerated"; PolyPhen-2: "Benign"; Align-GVGD: "Class C0". The serine amino acid residue is found in multiple mammalian species, which suggests that this missense change does not adversely affect protein function. In summary, the available evidence is currently insufficient to determine the role of this variant in disease. Therefore, it has been classified as a Variant of Uncertain Significance.